The following is an entry in ClinVar:

ClinVar aggregate classification (germline): Uncertain significance (1 of 4 stars; one submission).

Allele frequency attached by ClinVar (database versions not stated): ExAC 0.00002; gnomAD exomes 0.00004; TOPMed 0.00004; gnomAD 0.00005.
gnomAD v4.1: 60 of 1,613,956 alleles (0.0037%); highest among the groups gnomAD compares: Non-Finnish European, 0.005%; no homozygotes.

Submission:

Labcorp Genetics (formerly Invitae), Labcorp
Classification: Uncertain significance. Last evaluated: 2024-02-06. Review status: criteria provided, single submitter. Criteria: Invitae Variant Classification Sherloc (09022015). Collection method: clinical testing. Allele origin: germline.
Comment: This sequence change replaces arginine, which is basic and polar, with histidine, which is basic and polar, at codon 355 of the ZMYND11 protein (p.Arg355His). This variant is present in population databases (rs746023648, gnomAD 0.006%). This variant has not been reported in the literature in individuals affected with ZMYND11-related conditions. ClinVar contains an entry for this variant (Variation ID: 1973574). Advanced modeling of protein sequence and biophysical properties (such as structural, functional, and spatial information, amino acid conservation, physicochemical variation, residue mobility, and thermodynamic stability) performed at Invitae indicates that this missense variant is not expected to disrupt ZMYND11 protein function with a negative predictive value of 80%. In summary, the available evidence is currently insufficient to determine the role of this variant in disease. Therefore, it has been classified as a Variant of Uncertain Significance.

NM_001370100.5(ZMYND11):c.1064G>A (p.Arg355His)

Gene: ZMYND11 (zinc finger MYND-type containing 11; plus strand). Cytogenetic location: 10p15.3.
Variant type: single nucleotide variant.
Coding change: c.1064G>A on transcript NM_001370100.5 (MANE Select); coding-DNA position 1064, G replaced by A.
Protein change: p.Arg355His; replaces arginine 355 with histidine.
Molecular consequence: missense variant. On other transcripts: non-coding transcript variant (1).
Genome position (GRCh38, 1-based): chr10:246,879, G>A. VCF-style: chr10-246879-G-A. GRCh37 (hg19) VCF-style: chr10-292819-G-A.
Other names: c.1064G>A, p.Arg355His (NM_001161482.1, NM_001202468.1, NM_001370097.3 and 6 more transcripts); c.902G>A, p.Arg301His (NM_001202464.3, NM_001202467.1, NM_001370103.2 and 6 more transcripts); c.809G>A, p.Arg270His (NM_001202465.3, NM_001370110.2); c.899G>A, p.Arg300His (NM_001202466.3, NM_001370111.2); c.1013G>A, p.Arg338His (NM_001330057.3, NM_001370112.2); c.971G>A, p.Arg324His (NM_001370113.2, NM_001370114.2); c.1061G>A, p.Arg354His (NM_001370115.2, NM_212479.4); c.998G>A, p.Arg333His (NM_001370116.2); and 7 more; short protein forms R198H, R279H, R324H, R355H, R236H, R253H, R261H, R270H.
Identifiers: ClinVar variation 1973574 (VCV001973574.5), dbSNP rs746023648, ClinGen allele CA5379149.